The following is an entry in ClinVar:

ClinVar aggregate classification (germline): Uncertain significance (1 of 4 stars; one submission).

Conditions:
Early-infantile DEE. Also called: Ohtahara syndrome; Early infantile epileptic encephalopathy with suppression bursts; Early infantile epileptic encephalopathy. Identifiers: Orphanet 1934, MedGen C0393706, MONDO:0800491.

Submission:

Labcorp Genetics (formerly Invitae), Labcorp
Classification: Uncertain significance for Early-infantile DEE. Last evaluated: 2024-10-30. Review status: criteria provided, single submitter. Criteria: Invitae Variant Classification Sherloc (09022015). Collection method: clinical testing. Allele origin: germline.
Comment: This sequence change replaces alanine, which is neutral and non-polar, with proline, which is neutral and non-polar, at codon 488 of the SPTAN1 protein (p.Ala488Pro). This variant is not present in population databases (gnomAD no frequency). This variant has not been reported in the literature in individuals affected with SPTAN1-related conditions. An algorithm developed to predict the effect of missense changes on protein structure and function (PolyPhen-2) suggests that this variant is likely to be disruptive. Algorithms developed to predict the effect of sequence changes on RNA splicing suggest that this variant may disrupt the consensus splice site. In summary, the available evidence is currently insufficient to determine the role of this variant in disease. Therefore, it has been classified as a Variant of Uncertain Significance.

NM_001130438.3(SPTAN1):c.1462G>C (p.Ala488Pro)

Gene: SPTAN1 (spectrin alpha, non-erythrocytic 1; plus strand). Cytogenetic location: 9q34.11.
Variant type: single nucleotide variant.
Coding change: c.1462G>C on transcript NM_001130438.3 (MANE Select); coding-DNA position 1462, G replaced by C.
Protein change: p.Ala488Pro; replaces alanine 488 with proline.
Molecular consequence: missense variant.
Genome position (GRCh38, 1-based): chr9:128,581,782, G>C. VCF-style: chr9-128581782-G-C. GRCh37 (hg19) VCF-style: chr9-131344061-G-C.
Other names: c.1498G>C, p.Ala500Pro (NM_001375318.1, NM_001375312.2); c.1462G>C, p.Ala488Pro (NM_003127.4, NM_001363759.2, NM_001363765.2 and 5 more transcripts); short protein forms A500P, A488P.
Identifiers: ClinVar variation 3724182 (VCV003724182.2).